The following is an entry in ClinVar:

ClinVar aggregate classification (germline): Pathogenic/Likely pathogenic. Review status: criteria provided, multiple submitters, no conflicts (2 of 4 stars). 3 submissions from 3 submitters: Pathogenic (1); Likely pathogenic (2). Last evaluated 2024-10-28.

Conditions:
Familial hemophagocytic lymphohistiocytosis (FHL). Also called: Familial erythrophagocytic lymphohistiocytosis; Familial histiocytic reticulosis; Hereditary hemophagocytic lymphohistiocytosis. Identifiers: Orphanet 158038, Orphanet 540, MedGen C0272199, MONDO:0015541.
Familial hemophagocytic lymphohistiocytosis 5. Also called: STXBP2-Related Familial Hemophagocytic Lymphohistiocytosis (STXBP2-fHLH). Identifiers: Orphanet 540, MedGen C2751293, MONDO:0013135, OMIM 613101.

Allele frequency attached by ClinVar (database versions not stated): ExAC 0.00001.
gnomAD v4.1: 3 of 1,614,076 alleles (0.00019%); highest among the groups gnomAD compares: South Asian, 0.0033%; no homozygotes.

Submissions (3):

Women's Health and Genetics/Laboratory Corporation of America, LabCorp
Classification: Pathogenic for Familial hemophagocytic lymphohistiocytosis. Last evaluated: 2024-10-28. Review status: criteria provided, single submitter. Criteria: LabCorp Variant Classification Summary - May 2015. Collection method: clinical testing. Allele origin: germline.
Comment: Variant summary: STXBP2 c.1697G>A (p.Gly566Asp) results in a non-conservative amino acid change in the encoded protein sequence. Five of five in-silico tools predict a damaging effect of the variant on protein function. Consensus agreement among computation tools predict no significant impact on normal splicing. The variant allele was found at a frequency of 4e-06 in 251114 control chromosomes (gnomAD). c.1697G>A has been reported in the literature in several homozygous individuals affected with Familial Hemophagocytic Lymphohistiocytosis (e.g. Jain_2012, Pagel_2012, Yadav_2020). These data indicate that the variant is very likely to be associated with disease. The following publications have been ascertained in the context of this evaluation (PMID: 22796692, 22451424, 33365035). ClinVar contains an entry for this variant (Variation ID: 1800888). Based on the evidence outlined above, the variant was classified as pathogenic.

Neuberg Centre For Genomic Medicine, NCGM
Classification: Likely pathogenic for Familial hemophagocytic lymphohistiocytosis 5. Last evaluated: 2024-02-01. Review status: criteria provided, single submitter. Criteria: ACMG Guidelines, 2015. Collection method: clinical testing. Allele origin: germline. Inheritance: Autosomal recessive inheritance. Affected: yes.
Comment: The missense c.1697G>A (p.Gly566Asp) variant in STXBP2 gene has been previously reported in homozygous state in individuals affected with familial hemophagocytic lymphohistiocytosis (Pournami F, et al. , 2020; Pagel J, et al., 2012; Jain R, et al., 2012). This variant is present with allele frequency of 0.0004% in the gnomAD Exomes. It has been submitted to the ClinVar database as Likely Pathogenic. Multiple lines of computational evidence (Polyphen - Probably damaging, SIFT - Damaging and MutationTaster - Disease causing) predict a damaging effect on protein structure and function for this variant. The reference amino acid change at this positon on STXBP2 is predicted as conserved by GERP++ and PhyloP across 100 vertebrates. The amino acid Gly at position 566 is changed to a Asp changing protein sequence and it might alter its composition and physico-chemical properties. For theser reasons, this variant has been classified as Likely Pathogenic.

GeneDx
Classification: Likely pathogenic. Last evaluated: 2022-05-26. Review status: criteria provided, single submitter. Criteria: GeneDx Variant Classification Process June 2021. Collection method: clinical testing. Allele origin: germline. Affected: yes.
Comment: Not observed at significant frequency in large population cohorts (gnomAD); In silico analysis supports that this missense variant has a deleterious effect on protein structure/function; This variant is associated with the following publications: (PMID: 22796692, 22451424, 24194549, 33365035, 31976148, 33746956)

Literature cited by the submitters: PubMed 33365035 (cited by Women's Health and Genetics/Laboratory Corporation of America, LabCorp); PubMed 22451424 (cited by Women's Health and Genetics/Laboratory Corporation of America, LabCorp); PubMed 22796692 (cited by Women's Health and Genetics/Laboratory Corporation of America, LabCorp).

NM_006949.4(STXBP2):c.1697G>A (p.Gly566Asp)

Gene: STXBP2 (syntaxin binding protein 2; plus strand). Cytogenetic location: 19p13.2.
Variant type: single nucleotide variant.
Coding change: c.1697G>A on transcript NM_006949.4 (MANE Select); coding-DNA position 1697, G replaced by A.
Protein change: p.Gly566Asp; replaces glycine 566 with aspartic acid.
Molecular consequence: missense variant. On other transcripts: non-coding transcript variant (1).
Genome position (GRCh38, 1-based): chr19:7,647,725, G>A. VCF-style: chr19-7647725-G-A. GRCh37 (hg19) VCF-style: chr19-7712611-G-A.
Other names: c.1688G>A, p.Gly563Asp (NM_001127396.3); c.1730G>A, p.Gly577Asp (NM_001272034.2); short protein forms G563D, G566D, G577D.
Identifiers: ClinVar variation 1800888 (VCV001800888.5), dbSNP rs773917703, ClinGen allele CA9144316.
Genomic context (GRCh38, chr19:7,647,725, plus strand): 5'-CCTGTCAAAGACGAAGGCAGCGCCCCCCAACATCTTCCCCAAACCTCTGCCCCTGCACAG[G>A]CTCCTCACACATCCTCACCCCGACCCGCTTCCTGGATGACCTGAAGGCACTGGACAAGAA-3'
Protein context (NP_008880.2, residues 556-576): ATEGKWEVLI[Gly566Asp]SSHILTPTRF